The following is an entry in ClinVar:

ClinVar aggregate classification (germline): Uncertain significance (1 of 4 stars; one submission).

Conditions:
Hereditary cancer-predisposing syndrome. Also called: Neoplastic Syndromes, Hereditary; Tumor predisposition; Hereditary Cancer Syndrome; Hereditary neoplastic syndrome. Identifiers: Orphanet 140162, MedGen C0027672, MeSH D009386, MONDO:0015356.

Submission:

Ambry Genetics
Classification: Uncertain significance for Hereditary cancer-predisposing syndrome. Last evaluated: 2024-09-19. Review status: criteria provided, single submitter. Criteria: Ambry Variant Classification Scheme 2023. Collection method: clinical testing. Allele origin: germline.
Comment: The p.G361V variant (also known as c.1082G>T), located in coding exon 10 of the PMS2 gene, results from a G to T substitution at nucleotide position 1082. The glycine at codon 361 is replaced by valine, an amino acid with dissimilar properties. This amino acid position is conserved. In addition, the in silico prediction for this alteration is inconclusive. Based on the available evidence, the clinical significance of this variant remains unclear.

NM_000535.7(PMS2):c.1082G>T (p.Gly361Val)

Gene: PMS2 (PMS1 homolog 2, mismatch repair system component; minus strand). Cytogenetic location: 7p22.1.
Variant type: single nucleotide variant.
Coding change: c.1082G>T on transcript NM_000535.7 (MANE Select); coding-DNA position 1082, G replaced by T.
Protein change: p.Gly361Val; replaces glycine 361 with valine.
Molecular consequence: missense variant. On other transcripts: non-coding transcript variant (1), intron variant (10).
Genome position (GRCh38, 1-based): chr7:5,989,862, C>A on the plus strand (G>T on the coding strand, the complement: PMS2 is on the minus strand). VCF-style: chr7-5989862-C-A. GRCh37 (hg19) VCF-style: chr7-6029493-C-A.
Other names: c.677G>T, p.Gly226Val (NM_001322003.2, NM_001322004.2, NM_001322005.2 and 16 more transcripts); c.764G>T, p.Gly255Val (NM_001322007.2, NM_001322008.2, NM_001406876.1 and 2 more transcripts); c.149G>T, p.Gly50Val (NM_001322011.2, NM_001322012.2); c.509G>T, p.Gly170Val (NM_001322013.2, NM_001406909.1); c.1082G>T, p.Gly361Val (NM_001322014.2, NM_001406871.1, NM_001406872.1); c.773G>T, p.Gly258Val (NM_001322015.2, NM_001406875.1, NM_001406877.1 and 5 more transcripts); c.1268G>T, p.Gly423Val (NM_001406866.1); c.1106G>T, p.Gly369Val (NM_001406868.1); and 13 more; short protein forms G170V, G190V, G325V, G226V, G249V, G295V, G361V, G239V.
Identifiers: ClinVar variation 3421509 (VCV003421509.1).